The following is an entry in ClinVar:

NM_001165963.4(SCN1A):c.1181_1182delinsGA (p.Ala394Gly)

Gene: SCN1A (sodium voltage-gated channel alpha subunit 1; minus strand). Cytogenetic location: 2q24.3.
Variant type: Indel.
Coding change: c.1181_1182delinsGA on transcript NM_001165963.4 (MANE Select); coding-DNA positions 1181 to 1182, CT replaced by GA.
Protein change: p.Ala394Gly; replaces alanine 394 with glycine.
Molecular consequence: missense variant. On other transcripts: 5 prime UTR variant (1), non-coding transcript variant (1).
Genome position (GRCh38, 1-based): chr2:166,046,965-166,046,966, AG replaced by TC on the plus strand (CT replaced by GA on the coding strand, the reverse complement: SCN1A is on the minus strand). VCF-style: chr2-166046965-AG-TC. GRCh37 (hg19) VCF-style: chr2-166903475-AG-TC.
Other names: c.1181_1182delinsGA, p.Ala394Gly (NM_001165964.3, NM_001202435.3, NM_001353948.2 and 10 more transcripts); c.-1245_-1244delinsGA (NM_001353961.2); short protein forms A394G.
Identifiers: ClinVar variation 579253 (VCV000579253.6), dbSNP rs1559226096, ClinGen allele CA891842517.

ClinVar aggregate classification (germline): Uncertain significance (1 of 4 stars; one submission).

Conditions:
Early-infantile DEE. Also called: Early infantile epileptic encephalopathy with suppression bursts; Early infantile epileptic encephalopathy; Ohtahara syndrome. Identifiers: Orphanet 1934, MedGen C0393706, MONDO:0800491.

Submission:

Labcorp Genetics (formerly Invitae), Labcorp
Classification: Uncertain significance for Early-infantile DEE. Last evaluated: 2024-02-24. Review status: criteria provided, single submitter. Criteria: Invitae Variant Classification Sherloc (09022015). Collection method: clinical testing. Allele origin: germline.
Comment: This sequence change replaces alanine, which is neutral and non-polar, with glycine, which is neutral and non-polar, at codon 394 of the SCN1A protein (p.Ala394Gly). Information on the frequency of this variant in the gnomAD database is not available, as this variant may be reported differently in the database. This missense change has been observed in individual(s) with clinical features of SCN1A-related conditions (Invitae). In at least one individual the variant was observed to be de novo. An algorithm developed to predict the effect of missense changes on protein structure and function (PolyPhen-2) suggests that this variant is likely to be disruptive. This variant disrupts the p.Ala394 amino acid residue in SCN1A. Other variant(s) that disrupt this residue have been determined to be pathogenic (PMID: 28084635; Invitae). This suggests that this residue is clinically significant, and that variants that disrupt this residue are likely to be disease-causing. In summary, the available evidence is currently insufficient to determine the role of this variant in disease. Therefore, it has been classified as a Variant of Uncertain Significance.

Literature cited by the submitters: PubMed 28084635.